The following is an entry in ClinVar:

NM_138694.4(PKHD1):c.8335T>G (p.Phe2779Val)

Gene: PKHD1 (PKHD1 ciliary IPT domain containing fibrocystin/polyductin; minus strand). Cytogenetic location: 6p12.3.
Variant type: single nucleotide variant.
Coding change: c.8335T>G on transcript NM_138694.4 (MANE Select); coding-DNA position 8335, T replaced by G.
Protein change: p.Phe2779Val; replaces phenylalanine 2779 with valine.
Molecular consequence: missense variant.
Genome position (GRCh38, 1-based): chr6:51,791,341, A>C on the plus strand (T>G on the coding strand, the complement: PKHD1 is on the minus strand). VCF-style: chr6-51791341-A-C. GRCh37 (hg19) VCF-style: chr6-51656139-A-C.
Other names: c.8335T>G, p.Phe2779Val (NM_170724.3); short protein forms F2779V.
Identifiers: ClinVar variation 502746 (VCV000502746.25), dbSNP rs144106341, ClinGen allele CA3851659.

ClinVar aggregate classification (germline): Conflicting classifications of pathogenicity. Review status: criteria provided, conflicting classifications (1 of 4 stars). 7 submissions from 7 submitters: Uncertain significance (4); Likely benign (2). 1 of the submissions does not count toward it. Last evaluated 2026-07-06.

Conditions:
Autosomal recessive polycystic kidney disease (ARPKD). Also called: AR polycystic kidney disease. Identifiers: Orphanet 731, Orphanet 8378, MedGen C0085548, MeSH D017044, MONDO:0009889.
PKHD1-related disorder. Also called: PKHD1-related condition.

Allele frequency attached by ClinVar (database versions not stated): gnomAD 0.00015 and 0.00006; 1000 Genomes Project 30x 0.00078; gnomAD exomes 0.00018 and 0.00036; ExAC 0.00025; TOPMed 0.00005; 1000 Genomes Project 0.00100.
gnomAD v4.1: 531 of 1,613,470 alleles (0.033%); highest among the groups gnomAD compares: East Asian, 1.2%; 6 homozygotes.

Submissions (7):

PreventionGenetics, part of Exact Sciences
Classification: Likely benign for PKHD1-related condition. Last evaluated: 2026-07-06. Review status: criteria provided, single submitter. Criteria: ACMG Guidelines, 2015. Collection method: clinical testing. Allele origin: germline.
Comment: This variant is classified as likely benign based on ACMG/AMP sequence variant interpretation guidelines (Richards et al. 2015 PMID: 25741868, with internal and published modifications).

GeneDx
Classification: Uncertain significance. Last evaluated: 2026-04-02. Review status: criteria provided, single submitter. Criteria: GeneDx Variant Classification Process June 2021. Collection method: clinical testing. Allele origin: germline.
Comment: In silico analysis suggests that this missense variant does not alter protein structure/function; Has not been previously published as pathogenic or benign to our knowledge; This variant is associated with the following publications: (PMID: 29642553)

Labcorp Genetics (formerly Invitae), Labcorp
Classification: Likely benign for Autosomal recessive polycystic kidney disease. Last evaluated: 2026-01-25. Review status: criteria provided, single submitter. Criteria: Invitae Variant Classification Sherloc (09022015). Collection method: clinical testing. Allele origin: germline.

Blueprint Genetics
Classification: Uncertain significance. Last evaluated: 2023-05-09. Review status: criteria provided, single submitter. Criteria: ACMG Guidelines, 2015. Collection method: clinical testing. Allele origin: germline.

Eurofins Ntd Llc (ga)
Classification: Uncertain significance. Last evaluated: 2018-08-23. Review status: criteria provided, single submitter. Criteria: EGL ClinVar v180209 classification definitions. Collection method: clinical testing. Allele origin: germline. Observed: 4 variant alleles, 4 heterozygotes.

Illumina Laboratory Services, Illumina
Classification: Uncertain significance for Polycystic kidney disease 4. Last evaluated: 2018-01-12. Review status: criteria provided, single submitter. Criteria: ICSL Variant Classification Criteria 13 December 2019. Collection method: clinical testing. Allele origin: germline.

Natera, Inc.
Classification: Uncertain significance for Autosomal recessive polycystic kidney disease. Last evaluated: 2017-05-06. Review status: no assertion criteria provided. Collection method: clinical testing. Allele origin: germline. Not counted in ClinVar's aggregate classification.